The following is an entry in ClinVar:

ClinVar aggregate classification (germline): Uncertain significance (1 of 4 stars; one submission).

Submission:

Labcorp Genetics (formerly Invitae), Labcorp
Classification: Uncertain significance. Last evaluated: 2023-12-11. Review status: criteria provided, single submitter. Criteria: Invitae Variant Classification Sherloc (09022015). Collection method: clinical testing. Allele origin: germline.
Comment: This sequence change replaces arginine, which is basic and polar, with lysine, which is basic and polar, at codon 484 of the TRAF3IP1 protein (p.Arg484Lys). This variant also falls at the last nucleotide of exon 12, which is part of the consensus splice site for this exon. This variant is not present in population databases (gnomAD no frequency). This variant has not been reported in the literature in individuals affected with TRAF3IP1-related conditions. ClinVar contains an entry for this variant (Variation ID: 2086496). An algorithm developed to predict the effect of missense changes on protein structure and function (PolyPhen-2) suggests that this variant is likely to be disruptive. Variants that disrupt the consensus splice site are a relatively common cause of aberrant splicing (PMID: 17576681, 9536098). Algorithms developed to predict the effect of sequence changes on RNA splicing suggest that this variant may disrupt the consensus splice site. In summary, the available evidence is currently insufficient to determine the role of this variant in disease. Therefore, it has been classified as a Variant of Uncertain Significance.

Literature cited by the submitters: PubMed 17576681; PubMed 9536098.

NM_015650.4(TRAF3IP1):c.1451G>A (p.Arg484Lys)

Gene: TRAF3IP1 (TRAF3 interacting protein 1; plus strand). Cytogenetic location: 2q37.3.
Variant type: single nucleotide variant.
Coding change: c.1451G>A on transcript NM_015650.4 (MANE Select); coding-DNA position 1451, G replaced by A.
Protein change: p.Arg484Lys; replaces arginine 484 with lysine.
Molecular consequence: missense variant.
Genome position (GRCh38, 1-based): chr2:238,349,408, G>A. VCF-style: chr2-238349408-G-A. GRCh37 (hg19) VCF-style: chr2-239258049-G-A.
Other names: c.1253G>A, p.Arg418Lys (NM_001139490.1); short protein forms R484K, R418K.
Identifiers: ClinVar variation 2086496 (VCV002086496.4), dbSNP rs2469690481, ClinGen allele CA351232596.
Genomic context (GRCh38, chr2:238,349,408, plus strand): 5'-CAAGACCAGCCCCTCCCCGGGTCAAACGGCAAGACAGCATGGAGGCGCTACAAATGGATA[G>A]GTAAGGCTGGCTCAGCAGGGCAGTTCCAGCCACACAGTGTGTTCTCCAGTGGGCATGGTG-3'
Protein context (NP_056465.2, residues 474-494): QDSMEALQMD[Arg484Lys]SGSGKTVSNV